The following is an entry in ClinVar:

NM_000059.4(BRCA2):c.8694G>A (p.Leu2898=)

Gene: BRCA2 (BRCA2 DNA repair associated; plus strand). Cytogenetic location: 13q13.1.
Variant type: single nucleotide variant.
Coding change: c.8694G>A on transcript NM_000059.4 (MANE Select); coding-DNA position 8694, G replaced by A.
Protein change: p.Leu2898=; no amino-acid change (leucine 2898 retained).
Molecular consequence: synonymous variant.
Genome position (GRCh38, 1-based): chr13:32,376,731, G>A. VCF-style: chr13-32376731-G-A. GRCh37 (hg19) VCF-style: chr13-32950868-G-A.
Identifiers: ClinVar variation 184652 (VCV000184652.72), dbSNP rs556762256, ClinGen allele CA025782.

ClinVar aggregate classification (germline): Likely benign. Review status: reviewed by expert panel (3 of 4 stars). 19 submissions from 19 submitters: Likely benign (1). 18 of the submissions do not count toward it. Last evaluated 2017-06-29.

Conditions:
BRCA2-related cancer predisposition. Identifiers: MedGen CN377758, MONDO:0700269.
Breast and/or ovarian cancer. Identifiers: MedGen CN221562.
Hereditary cancer-predisposing syndrome. Also called: Hereditary neoplastic syndrome; Tumor predisposition; Neoplastic Syndromes, Hereditary; Hereditary Cancer Syndrome. Identifiers: Orphanet 140162, MedGen C0027672, MeSH D009386, MONDO:0015356.
Hereditary breast ovarian cancer syndrome. Also called: Breast and ovarian cancer; Hereditary breast and/or ovarian cancer syndrome; BRCA1- and BRCA2-Associated Hereditary Breast and Ovarian Cancer; Hereditary breast and ovarian cancer; Hereditary breast and ovarian cancer syndrome; Hereditary breast and ovarian cancer syndrome (HBOC). Identifiers: Orphanet 145, MedGen C0677776, MeSH D061325, MONDO:0003582. Disease mechanism: loss of function.
Breast-ovarian cancer, familial, susceptibility to, 2 (BROVCA2). Also called: BRCA2 Hereditary Breast and Ovarian Cancer. Identifiers: Orphanet 145, MedGen C2675520, MONDO:0012933, OMIM 612555. Disease mechanism: loss of function.

Allele frequency attached by ClinVar (database versions not stated): TOPMed 0.00001; gnomAD 0.00003; gnomAD exomes 0.00003 and 0.00006; ExAC 0.00008.
gnomAD v4.1: 52 of 1,613,994 alleles (0.0032%); highest among the groups gnomAD compares: Non-Finnish European, 0.0041%; no homozygotes.

Submissions (19):

Evidence-based Network for the Interpretation of Germline Mutant Alleles (ENIGMA)
Classification: Likely benign for Breast-ovarian cancer, familial, susceptibility to, 2. Last evaluated: 2017-06-29. Review status: reviewed by expert panel. Criteria: ENIGMA BRCA1/2 Classification Criteria (2017-06-29). Collection method: curation. Allele origin: germline.
Comment: Synonymous substitution variant, with low bioinformatic likelihood to result in a splicing aberration (Splicing prior probability 0.02).

CeGaT Center for Human Genetics Tuebingen
Classification: Likely benign. Last evaluated: 2026-07-01. Review status: criteria provided, single submitter. Criteria: CeGaT Center For Human Genetics Tuebingen Variant Classification Criteria Version 2. Collection method: clinical testing. Allele origin: germline. Affected: yes. Observed: 3 variant alleles. Not counted in ClinVar's aggregate classification.
Comment: BRCA2: BP4, BP7

Labcorp Genetics (formerly Invitae), Labcorp
Classification: Benign for Hereditary breast ovarian cancer syndrome. Last evaluated: 2026-01-19. Review status: criteria provided, single submitter. Criteria: Invitae Variant Classification Sherloc (09022015). Collection method: clinical testing. Allele origin: germline. Not counted in ClinVar's aggregate classification.

Center for Genomic Medicine, Rigshospitalet, Copenhagen University Hospital
Classification: Likely benign. Last evaluated: 2025-03-04. Review status: criteria provided, single submitter. Criteria: ACMG Guidelines, 2015. Collection method: clinical testing. Allele origin: germline. Not counted in ClinVar's aggregate classification.

Quest Diagnostics Nichols Institute San Juan Capistrano
Classification: Likely benign. Last evaluated: 2024-12-26. Review status: criteria provided, single submitter. Criteria: Quest Diagnostics criteria. Collection method: clinical testing. Allele origin: unknown. Not counted in ClinVar's aggregate classification.

All of Us Research Program, National Institutes of Health
Classification: Likely benign for Breast-ovarian cancer, familial, susceptibility to, 2. Last evaluated: 2023-12-01. Review status: criteria provided, single submitter. Criteria: ACMG Guidelines, 2015. Collection method: clinical testing. Allele origin: germline. Inheritance: Autosomal dominant inheritance. Observed: 9 variant alleles, 9 heterozygotes. Not counted in ClinVar's aggregate classification.
Comment: This study involves interpretation of variants in research participants for the purpose of population health screening. Participant phenotype was not available at the time of variant classification. Additional details can be found in publication PMID: 35346344, PMCID: PMC8962531

Blueprint Genetics
Classification: Likely benign. Last evaluated: 2023-08-16. Review status: criteria provided, single submitter. Criteria: ACMG Guidelines, 2015. Collection method: clinical testing. Allele origin: germline. Not counted in ClinVar's aggregate classification.

CHEO Genetics Diagnostic Laboratory, Children's Hospital of Eastern Ontario
Classification: Likely benign for Breast and/or ovarian cancer. Last evaluated: 2022-08-26. Review status: criteria provided, single submitter. Criteria: ACMG Guidelines, 2015. Collection method: clinical testing. Allele origin: germline. Not counted in ClinVar's aggregate classification.

Department of Pathology and Laboratory Medicine, Sinai Health System
Classification: Likely benign for BRCA2-related cancer predisposition. Last evaluated: 2020-10-30. Review status: criteria provided, single submitter. Criteria: ACMG Guidelines, 2015. Collection method: clinical testing. Allele origin: germline. Affected: yes. Not counted in ClinVar's aggregate classification.

Women's Health and Genetics/Laboratory Corporation of America, LabCorp
Classification: Likely benign. Last evaluated: 2019-08-21. Review status: criteria provided, single submitter. Criteria: LabCorp Variant Classification Summary - May 2015. Collection method: clinical testing. Allele origin: germline. Not counted in ClinVar's aggregate classification.

Color Diagnostics, LLC DBA Color Health
Classification: Likely benign for Hereditary cancer-predisposing syndrome. Last evaluated: 2016-12-05. Review status: criteria provided, single submitter. Criteria: ACMG Guidelines, 2015. Collection method: clinical testing. Allele origin: germline. Not counted in ClinVar's aggregate classification.

Genome Diagnostics Laboratory, University Medical Center Utrecht
Classification: Likely benign for Breast-ovarian cancer, familial, susceptibility to, 2. Last evaluated: 2016-06-27. Review status: criteria provided, single submitter. Criteria: ACGS Guidelines, 2013. Collection method: clinical testing. Allele origin: germline. Affected: yes. Study: VKGL Data-share Consensus. Not counted in ClinVar's aggregate classification.

Clinical Genetics DNA and cytogenetics Diagnostics Lab, Erasmus MC, Erasmus Medical Center
Classification: Likely benign for Breast-ovarian cancer, familial, susceptibility to, 2. Last evaluated: 2015-09-21. Review status: criteria provided, single submitter. Criteria: ACGS Guidelines, 2013. Collection method: clinical testing. Allele origin: germline. Affected: yes. Study: VKGL Data-share Consensus. Not counted in ClinVar's aggregate classification.

GeneDx
Classification: Benign. Last evaluated: 2015-03-03. Review status: criteria provided, single submitter. Criteria: GeneDx Variant Classification Process June 2021. Collection method: clinical testing. Allele origin: germline. Affected: yes. Not counted in ClinVar's aggregate classification.
Comment: This variant is associated with the following publications: (PMID: 28324225)

Ambry Genetics
Classification: Likely benign for Hereditary cancer-predisposing syndrome. Last evaluated: 2014-11-20. Review status: criteria provided, single submitter. Criteria: Ambry Variant Classification Scheme 2023. Collection method: clinical testing. Allele origin: germline. Not counted in ClinVar's aggregate classification.

Counsyl
Classification: Likely benign for Breast-ovarian cancer, familial, susceptibility to, 2. Last evaluated: 2016-11-02. Review status: no assertion criteria provided. Collection method: clinical testing. Allele origin: unknown. Not counted in ClinVar's aggregate classification.

Clinical Genetics Laboratory, Department of Pathology, Netherlands Cancer Institute
Classification: Likely benign. Review status: no assertion criteria provided. Collection method: clinical testing. Allele origin: germline. Affected: yes. Study: VKGL Data-share Consensus. Not counted in ClinVar's aggregate classification.

Joint Genome Diagnostic Labs from Nijmegen and Maastricht, Radboudumc and MUMC+
Classification: Likely benign. Review status: no assertion criteria provided. Collection method: clinical testing. Allele origin: germline. Affected: yes. Study: VKGL Data-share Consensus. Not counted in ClinVar's aggregate classification.

Laboratory of Diagnostic Genome Analysis, Leiden University Medical Center (LUMC)
Classification: Likely benign. Review status: no assertion criteria provided. Collection method: clinical testing. Allele origin: germline. Affected: yes. Study: VKGL Data-share Consensus. Not counted in ClinVar's aggregate classification.

Literature cited by the submitters: PubMed 29302806 (cited by Quest Diagnostics Nichols Institute San Juan Capistrano); PubMed 20167696 (cited by Quest Diagnostics Nichols Institute San Juan Capistrano); PubMed 28324225 (cited by Quest Diagnostics Nichols Institute San Juan Capistrano).